The following is an entry in ClinVar:

NM_013296.5(GPSM2):c.1821C>T (p.Ser607=)

Genes: CLCC1 (chloride channel CLIC like 1; minus strand), GPSM2 (G protein signaling modulator 2; plus strand). Cytogenetic location: 1p13.3.
Variant type: single nucleotide variant.
Coding change: c.1821C>T on transcript NM_013296.5 (MANE Select); coding-DNA position 1821, C replaced by T.
Protein change: p.Ser607=; no amino-acid change (serine 607 retained).
Molecular consequence: synonymous variant. On other transcripts: 3 prime UTR variant (17), non-coding transcript variant (1).
Genome position (GRCh38, 1-based): chr1:108,929,706, C>T. VCF-style: chr1-108929706-C-T. GRCh37 (hg19) VCF-style: chr1-109472328-C-T.
Other names: c.*2841G>A (NM_001048210.3, NM_001278202.2, NM_001278203.1 and 10 more transcripts); c.*2846G>A (NM_001377459.1, NM_001377460.1, NM_001377462.1 and 1 more transcripts); c.1821C>T, p.Ser607= (NM_001321038.2, NM_001321039.3).
Identifiers: ClinVar variation 3054619 (VCV003054619.2), dbSNP rs1285332447, ClinGen allele CA419671728.

ClinVar aggregate classification (germline): Likely benign (0 of 4 stars; one submission).

Conditions:
GPSM2-related disorder. Also called: GPSM2-related disorders; GPSM2-related condition.

Allele frequency attached by ClinVar (database versions not stated): TOPMed below 0.00001; gnomAD 0.00001.
gnomAD v4.1: 1 of 1,612,930 alleles (0.000062%); highest among the groups gnomAD compares: Non-Finnish European, 0.000085%; no homozygotes.

Submission:

PreventionGenetics, part of Exact Sciences
Classification: Likely benign for GPSM2-related condition. Last evaluated: 2020-04-01. Review status: no assertion criteria provided. Collection method: clinical testing. Allele origin: germline.
Comment: This variant is classified as likely benign based on ACMG/AMP sequence variant interpretation guidelines (Richards et al. 2015 PMID: 25741868, with internal and published modifications).